The following is an entry in ClinVar:

NM_019066.5(MAGEL2):c.3246del (p.Asn1084fs)

Gene: MAGEL2 (MAGE family member L2; minus strand). Cytogenetic location: 15q11.2.
Variant type: Deletion.
Coding change: c.3246del on transcript NM_019066.5 (MANE Select); coding-DNA position 3246, one base deleted (C; older notation c.3246delC).
Protein change: p.Asn1084fs; shifts the reading frame from asparagine 1084.
Molecular consequence: frameshift variant.
Genome position (GRCh38, 1-based): chr15:23,644,497, G deleted on the plus strand (C on the coding strand, the reverse complement: MAGEL2 is on the minus strand); the first of 2 consecutive G bases (chr15:23,644,497-23,644,498); deleting either gives the same sequence. VCF-style (leftmost placement, unchanged base first): chr15-23644496-TG-T. GRCh37 (hg19) VCF-style: chr15-23889643-TG-T.
Other names: short protein forms N1084fs.
Identifiers: ClinVar variation 816928 (VCV000816928.4), dbSNP rs1595331427, ClinGen allele CA915946485.

ClinVar aggregate classification (germline): Conflicting classifications of pathogenicity. Review status: criteria provided, conflicting classifications (1 of 4 stars). 2 submissions from 2 submitters: Pathogenic (1); Uncertain significance (1). Last evaluated 2024-02-16.

Conditions:
Schaaf-Yang syndrome (SHFYNG). Also called: MAGEL2-related Prader-Willi-like syndrome; Arthrogryposis, distal, with hypopituitarism, intellectual disability, and facial anomalies. Identifiers: Orphanet 398069, MedGen C5575066, MONDO:0014243, OMIM 615547.

Submissions (2):

Labcorp Genetics (formerly Invitae), Labcorp
Classification: Uncertain significance. Last evaluated: 2024-02-16. Review status: criteria provided, single submitter. Criteria: Invitae Variant Classification Sherloc (09022015). Collection method: clinical testing. Allele origin: germline.
Comment: This sequence change creates a premature translational stop signal (p.Asn1084Thrfs*22) in the MAGEL2 gene. While this is not anticipated to result in nonsense mediated decay, it is expected to disrupt the last 166 amino acid(s) of the MAGEL2 protein. This variant is not present in population databases (gnomAD no frequency). This variant has not been reported in the literature in individuals affected with MAGEL2-related conditions. ClinVar contains an entry for this variant (Variation ID: 816928). In summary, the available evidence is currently insufficient to determine the role of this variant in disease. Therefore, it has been classified as a Variant of Uncertain Significance.

Genomic Medicine Lab, University of California San Francisco
Classification: Pathogenic for Schaaf-Yang syndrome. Last evaluated: 2019-02-14. Review status: criteria provided, single submitter. Criteria: ACMG Guidelines, 2015. Collection method: clinical testing. Allele origin: unknown. Inheritance: Autosomal dominant inheritance. Affected: yes. Study: CSER.